The following is an entry in ClinVar:

ClinVar aggregate classification (germline): Uncertain significance (1 of 4 stars; one submission).

gnomAD v4.1: 7 of 1,612,878 alleles (0.00043%); highest among the groups gnomAD compares: Admixed American, 0.012%; no homozygotes.

Submission:

Labcorp Genetics (formerly Invitae), Labcorp
Classification: Uncertain significance. Last evaluated: 2024-02-02. Review status: criteria provided, single submitter. Criteria: Invitae Variant Classification Sherloc (09022015). Collection method: clinical testing. Allele origin: germline.
Comment: The EPB41 gene has multiple clinically relevant transcripts. This variant occurs in alternate transcript NM_001166005.1, and corresponds to NM_004437.3:c.1588-3035C>T in the primary transcript. This sequence change falls in intron 16 of the EPB41 gene. It does not directly change the encoded amino acid sequence of the EPB41 protein. It affects a nucleotide within the consensus splice site. This variant is present in population databases (rs185906696, gnomAD 0.003%). This variant has not been reported in the literature in individuals affected with EPB41-related conditions. Experimental studies and prediction algorithms are not available or were not evaluated, and the functional significance of this variant is currently unknown. Variants that disrupt the consensus splice site are a relatively common cause of aberrant splicing (PMID: 17576681, 9536098). In summary, the available evidence is currently insufficient to determine the role of this variant in disease. Therefore, it has been classified as a Variant of Uncertain Significance.

Literature cited by the submitters: PubMed 17576681; PubMed 9536098.

NM_001376013.1(EPB41):c.2314-3C>T

Gene: EPB41 (erythrocyte membrane protein band 4.1; plus strand). Cytogenetic location: 1p35.3.
Variant type: single nucleotide variant.
Coding change: c.2314-3C>T on transcript NM_001376013.1 (MANE Select); 3 bases into the intron before coding-DNA position 2314, C replaced by T.
Molecular consequence: intron variant.
Genome position (GRCh38, 1-based): chr1:29,109,333, C>T. VCF-style: chr1-29109333-C-T. GRCh37 (hg19) VCF-style: chr1-29435845-C-T.
Other names: c.1645-3C>T (NM_203342.3); c.2314-3C>T (NM_001166005.2); c.2047-3C>T (NM_203343.3); c.1588-3035C>T (NM_004437.4); c.1687-3C>T (NM_001376022.1); c.1525-3C>T (NM_001166007.2); c.2245-3C>T (NM_001376014.1); c.2209-3C>T (NM_001376015.1).
Identifiers: ClinVar variation 3612102 (VCV003612102.2).